The following is an entry in ClinVar:

ClinVar aggregate classification (germline): Uncertain significance (1 of 4 stars; one submission).

Conditions:
Inborn genetic diseases. Identifiers: MedGen C0950123, MeSH D030342.

gnomAD v4.1: 2 of 1,542,662 alleles (0.00013%); highest among the groups gnomAD compares: Non-Finnish European, 0.00018%; no homozygotes.

Submission:

Ambry Genetics
Classification: Uncertain significance for Inborn genetic diseases. Last evaluated: 2026-05-23. Review status: criteria provided, single submitter. Criteria: Ambry Variant Classification Scheme 2023. Collection method: clinical testing. Allele origin: germline.
Comment: The c.974A>G (p.Y325C) alteration is located in exon 9 (coding exon 9) of the NDUFAF6 gene. This alteration results from a A to G substitution at nucleotide position 974, causing the tyrosine (Y) at amino acid position 325 to be replaced by a cysteine (C). Based on data from gnomAD, the G allele has an overall frequency of <0.001% (1/247802) total alleles studied. The highest observed frequency was 0.001% (1/112218) of European (non-Finnish) alleles. Based on insufficient or conflicting evidence, the clinical significance of this alteration remains unclear.

NM_152416.4(NDUFAF6):c.974A>G (p.Tyr325Cys)

Gene: NDUFAF6 (NADH:ubiquinone oxidoreductase complex assembly factor 6; plus strand). Cytogenetic location: 8q22.1.
Variant type: single nucleotide variant.
Coding change: c.974A>G on transcript NM_152416.4 (MANE Select); coding-DNA position 974, A replaced by G.
Protein change: p.Tyr325Cys; replaces tyrosine 325 with cysteine.
Molecular consequence: missense variant. On other transcripts: non-coding transcript variant (3), intron variant (1).
Genome position (GRCh38, 1-based): chr8:95,057,909, A>G. VCF-style: chr8-95057909-A-G. GRCh37 (hg19) VCF-style: chr8-96070137-A-G.
Other names: c.698A>G, p.Tyr233Cys (NM_001330582.2, NM_001354514.2, NM_001354515.2); c.818A>G, p.Tyr273Cys (NM_001354516.2); c.641A>G, p.Tyr214Cys (NM_001354517.2, NM_001354518.2, NM_001354519.2 and 1 more transcripts); c.518A>G, p.Tyr173Cys (NM_001354522.2, NM_001354524.2, NM_001354525.2 and 7 more transcripts); c.483+9351A>G (NM_001354534.2); short protein forms Y173C, Y214C, Y233C, Y273C, Y325C.
Identifiers: ClinVar variation 4860780 (VCV004860780.1).